The following is an entry in ClinVar:

NM_017763.6(RNF43):c.2056C>A (p.Pro686Thr)

Gene: RNF43 (ring finger protein 43; minus strand). Cytogenetic location: 17q22.
Variant type: single nucleotide variant.
Coding change: c.2056C>A on transcript NM_017763.6 (MANE Select); coding-DNA position 2056, C replaced by A.
Protein change: p.Pro686Thr; replaces proline 686 with threonine.
Molecular consequence: missense variant.
Genome position (GRCh38, 1-based): chr17:58,357,720, G>T on the plus strand (C>A on the coding strand, the complement: RNF43 is on the minus strand). VCF-style: chr17-58357720-G-T. GRCh37 (hg19) VCF-style: chr17-56435081-G-T.
Other names: c.2056C>A, p.Pro686Thr (NM_001305544.3); c.1675C>A, p.Pro559Thr (NM_001305545.2); c.2056C>A (NM_017763.4); short protein forms P559T, P686T.
Identifiers: ClinVar variation 3240353 (VCV003240353.2), dbSNP rs1236435059.
Genomic context (GRCh38, chr17:58,357,720, plus strand): 5'-GGCCTGGAGGTCCACAGATCAAGGGGTGTGCCTCTGGGGACCAAGGATATGCCACACTGG[G>T]GGTGTAATGGGGAAAAATCTGGCAAGCTGGGTGCACAGTTGCATCCTGGGGCCGAGAGCC-3'
Protein context (NP_060233.3, residues 676-696): PACQIFPHYT[Pro686Thr]SVAYPWSPEA

ClinVar aggregate classification (germline): Uncertain significance. Review status: criteria provided, multiple submitters, no conflicts (2 of 4 stars). 2 submissions from 2 submitters: Uncertain significance (2). Last evaluated 2024-12-07.

Conditions:
Sessile serrated polyposis cancer syndrome (SSPCS). Identifiers: Orphanet 157798, MedGen C4310714, MONDO:0014919, OMIM 617108.

Allele frequency attached by ClinVar (database versions not stated): TOPMed below 0.00001.

Submissions (2):

Ambry Genetics
Classification: Uncertain significance. Last evaluated: 2024-12-07. Review status: criteria provided, single submitter. Criteria: Ambry Variant Classification Scheme 2023. Collection method: clinical testing. Allele origin: germline.
Comment: The p.P686T variant (also known as c.2056C>A), located in coding exon 8 of the RNF43 gene, results from a C to A substitution at nucleotide position 2056. The proline at codon 686 is replaced by threonine, an amino acid with highly similar properties. This amino acid position is conserved. In addition, this alteration is predicted to be tolerated by in silico analysis. Based on the available evidence, the clinical significance of this variant remains unclear.

Baylor Genetics
Classification: Uncertain significance for Sessile serrated polyposis cancer syndrome. Last evaluated: 2024-03-21. Review status: criteria provided, single submitter. Criteria: ACMG Guidelines, 2015. Collection method: clinical testing. Allele origin: unknown.